The following is an entry in ClinVar:

NM_001352514.2(HLCS):c.1697C>G (p.Ser566Cys)

Gene: HLCS (holocarboxylase synthetase; minus strand). Cytogenetic location: 21q22.13.
Variant type: single nucleotide variant.
Coding change: c.1697C>G on transcript NM_001352514.2 (MANE Select); coding-DNA position 1697, C replaced by G.
Protein change: p.Ser566Cys; replaces serine 566 with cysteine.
Molecular consequence: missense variant. On other transcripts: non-coding transcript variant (2).
Genome position (GRCh38, 1-based): chr21:36,897,055, G>C on the plus strand (C>G on the coding strand, the complement: HLCS is on the minus strand). VCF-style: chr21-36897055-G-C. GRCh37 (hg19) VCF-style: chr21-38269355-G-C.
Other names: c.1256C>G, p.Ser419Cys (NM_000411.8, NM_001242784.3, NM_001242785.2 and 4 more transcripts); short protein forms S419C, S566C.
Identifiers: ClinVar variation 2185262 (VCV002185262.1), dbSNP rs2517423644, ClinGen allele CA409966669.

ClinVar aggregate classification (germline): Uncertain significance (1 of 4 stars; one submission).

Conditions:
Holocarboxylase synthetase deficiency. Also called: MULTIPLE CARBOXYLASE DEFICIENCY, EARLY ONSET. Identifiers: Orphanet 79242, MedGen C0268581, MONDO:0009666, OMIM 253270.

Allele frequency attached by ClinVar (database versions not stated): gnomAD exomes below 0.00001.
gnomAD v4.1: 7 of 1,614,174 alleles (0.00043%); highest among the groups gnomAD compares: South Asian, 0.0066%; no homozygotes.

Submission:

Labcorp Genetics (formerly Invitae), Labcorp
Classification: Uncertain significance for Holocarboxylase synthetase deficiency. Last evaluated: 2022-03-23. Review status: criteria provided, single submitter. Criteria: Invitae Variant Classification Sherloc (09022015). Collection method: clinical testing. Allele origin: germline.
Comment: This sequence change replaces serine, which is neutral and polar, with cysteine, which is neutral and slightly polar, at codon 419 of the HLCS protein (p.Ser419Cys). This variant is not present in population databases (gnomAD no frequency). This variant has not been reported in the literature in individuals affected with HLCS-related conditions. Algorithms developed to predict the effect of missense changes on protein structure and function are either unavailable or do not agree on the potential impact of this missense change (SIFT: "Deleterious"; PolyPhen-2: "Possibly Damaging"; Align-GVGD: "Class C15"). In summary, the available evidence is currently insufficient to determine the role of this variant in disease. Therefore, it has been classified as a Variant of Uncertain Significance.